The following is an entry in ClinVar:

ClinVar aggregate classification (germline): Uncertain significance (1 of 4 stars; one submission).

gnomAD v4.1: 4 of 1,613,398 alleles (0.00025%); highest among the groups gnomAD compares: South Asian, 0.0011%; no homozygotes.

Submission:

Labcorp Genetics (formerly Invitae), Labcorp
Classification: Uncertain significance. Last evaluated: 2023-07-25. Review status: criteria provided, single submitter. Criteria: Invitae Variant Classification Sherloc (09022015). Collection method: clinical testing. Allele origin: germline.
Comment: In summary, the available evidence is currently insufficient to determine the role of this variant in disease. Therefore, it has been classified as a Variant of Uncertain Significance. Algorithms developed to predict the effect of sequence changes on RNA splicing suggest that this variant may create or strengthen a splice site. This variant has not been reported in the literature in individuals affected with RFWD3-related conditions. This variant is present in population databases (no rsID available, gnomAD 0.004%). This sequence change falls in intron 2 of the RFWD3 gene. It does not directly change the encoded amino acid sequence of the RFWD3 protein.

NM_018124.4(RFWD3):c.519-4A>G

Gene: RFWD3 (ring finger and WD repeat domain 3; minus strand). Cytogenetic location: 16q23.1.
Variant type: single nucleotide variant.
Coding change: c.519-4A>G on transcript NM_018124.4 (MANE Select); 4 bases into the intron before coding-DNA position 519, A replaced by G.
Molecular consequence: intron variant.
Genome position (GRCh38, 1-based): chr16:74,652,126, T>C on the plus strand (A>G on the coding strand, the complement: RFWD3 is on the minus strand). VCF-style: chr16-74652126-T-C. GRCh37 (hg19) VCF-style: chr16-74686024-T-C.
Other names: c.519-4A>G (NM_001370534.1, NM_001370536.1, NM_001370535.1); c.-113-2924A>G (NM_001370539.1); c.-490-4A>G (NM_001370537.1); c.-245-4A>G (NM_001370543.1); c.-367-4A>G (NM_001370542.1); c.-316-4A>G (NM_001370540.1).
Identifiers: ClinVar variation 2973727 (VCV002973727.3), dbSNP rs1179668341, ClinGen allele CA623582226.